The following is an entry in ClinVar:

ClinVar aggregate classification (germline): Uncertain significance. Review status: criteria provided, multiple submitters, no conflicts (2 of 4 stars). 2 submissions from 2 submitters: Uncertain significance (2). Last evaluated 2024-12-29.

Conditions:
Arterial tortuosity syndrome (ATORS). Identifiers: Orphanet 3342, MedGen C1859726, MONDO:0008818, OMIM 208050.
Familial thoracic aortic aneurysm and aortic dissection (TAAD). Also called: Thoracic aortic aneurysms and dissections. Identifiers: Orphanet 91387, MedGen C4707243, MONDO:0019625.

Allele frequency attached by ClinVar (database versions not stated): gnomAD exomes below 0.00001.
gnomAD v4.1: 1 of 1,614,220 alleles (0.000062%); highest among the groups gnomAD compares: Non-Finnish European, 0.000085%; no homozygotes.

Submissions (2):

Ambry Genetics
Classification: Uncertain significance for Familial thoracic aortic aneurysm and aortic dissection. Last evaluated: 2024-12-29. Review status: criteria provided, single submitter. Criteria: Ambry Variant Classification Scheme 2023. Collection method: clinical testing. Allele origin: germline.
Comment: The p.L16S variant (also known as c.47T>C), located in coding exon 2 of the SLC2A10 gene, results from a T to C substitution at nucleotide position 47. The leucine at codon 16 is replaced by serine, an amino acid with dissimilar properties. This amino acid position is conserved. In addition, this alteration is predicted to be tolerated by in silico analysis. Based on the available evidence, the clinical significance of this variant remains unclear.

Labcorp Genetics (formerly Invitae), Labcorp
Classification: Uncertain significance for Arterial tortuosity syndrome. Last evaluated: 2022-04-09. Review status: criteria provided, single submitter. Criteria: Invitae Variant Classification Sherloc (09022015). Collection method: clinical testing. Allele origin: germline.
Comment: Advanced modeling of protein sequence and biophysical properties (such as structural, functional, and spatial information, amino acid conservation, physicochemical variation, residue mobility, and thermodynamic stability) performed at Invitae indicates that this missense variant is not expected to disrupt SLC2A10 protein function. In summary, the available evidence is currently insufficient to determine the role of this variant in disease. Therefore, it has been classified as a Variant of Uncertain Significance. This variant has not been reported in the literature in individuals affected with SLC2A10-related conditions. This sequence change replaces leucine, which is neutral and non-polar, with serine, which is neutral and polar, at codon 16 of the SLC2A10 protein (p.Leu16Ser). This variant is not present in population databases (gnomAD no frequency).

NM_030777.4(SLC2A10):c.47T>C (p.Leu16Ser)

Gene: SLC2A10 (solute carrier family 2 member 10; plus strand). Cytogenetic location: 20q13.12.
Variant type: single nucleotide variant.
Coding change: c.47T>C on transcript NM_030777.4 (MANE Select); coding-DNA position 47, T replaced by C.
Protein change: p.Leu16Ser; replaces leucine 16 with serine.
Molecular consequence: missense variant.
Genome position (GRCh38, 1-based): chr20:46,725,083, T>C. VCF-style: chr20-46725083-T-C. GRCh37 (hg19) VCF-style: chr20-45353722-T-C.
Other names: c.47T>C (NM_030777.3); short protein forms L16S.
Identifiers: ClinVar variation 1911923 (VCV001911923.6), dbSNP rs2515585839, ClinGen allele CA409266238.